The following is an entry in ClinVar:

ClinVar aggregate classification (germline): Pathogenic (1 of 4 stars; one submission).

Conditions:
Hereditary cancer-predisposing syndrome. Also called: Neoplastic Syndromes, Hereditary; Tumor predisposition; Hereditary Cancer Syndrome; Hereditary neoplastic syndrome. Identifiers: Orphanet 140162, MedGen C0027672, MeSH D009386, MONDO:0015356.

Submission:

Ambry Genetics
Classification: Pathogenic for Hereditary cancer-predisposing syndrome. Last evaluated: 2018-07-17. Review status: criteria provided, single submitter. Criteria: Ambry Variant Classification Scheme 2023. Collection method: clinical testing. Allele origin: germline.
Comment: The c.9225dupA pathogenic mutation, located in coding exon 23 of the BRCA2 gene, results from a duplication of A at nucleotide position 9225, causing a translational frameshift with a predicted alternate stop codon (p.G3076Rfs*35). This alteration is expected to result in loss of function by premature protein truncation or nonsense-mediated mRNA decay. As such, this alteration is interpreted as a disease-causing mutation.

NM_000059.4(BRCA2):c.9225dup (p.Gly3076fs)

Gene: BRCA2 (BRCA2 DNA repair associated; plus strand). Cytogenetic location: 13q13.1.
Variant type: Duplication.
Coding change: c.9225dup on transcript NM_000059.4 (MANE Select); coding-DNA position 9225, one base duplicated (A; older notation c.9225dupA).
Protein change: p.Gly3076fs; shifts the reading frame from glycine 3076.
Molecular consequence: frameshift variant.
Genome position (GRCh38, 1-based): chr13:32,380,114, A duplicated. VCF-style (leftmost placement, unchanged base first): chr13-32380113-T-TA. GRCh37 (hg19) VCF-style: chr13-32954250-T-TA.
Other names: c.9225dupA (NM_000059.3); short protein forms G3076fs.
Identifiers: ClinVar variation 485437 (VCV000485437.5), dbSNP rs1555288564, ClinGen allele CA658656443.